The following is an entry in ClinVar:

ClinVar aggregate classification (germline): Uncertain significance (1 of 4 stars; one submission).

Conditions:
Cardiovascular phenotype. Identifiers: MedGen CN230736.

Submission:

Ambry Genetics
Classification: Uncertain significance for Cardiovascular phenotype. Last evaluated: 2022-04-10. Review status: criteria provided, single submitter. Criteria: Ambry Variant Classification Scheme 2023. Collection method: clinical testing. Allele origin: germline.
Comment: The p.D2610N variant (also known as c.7828G>A), located in coding exon 22 of the TNXB gene, results from a G to A substitution at nucleotide position 7828. The aspartic acid at codon 2610 is replaced by asparagine, an amino acid with highly similar properties. This amino acid position is conserved. In addition, this alteration is predicted to be tolerated by in silico analysis. Since supporting evidence is limited at this time, the clinical significance of this alteration remains unclear.

NM_001365276.2(TNXB):c.7828G>A (p.Asp2610Asn)

Gene: TNXB (tenascin XB; minus strand). Cytogenetic location: 6p21.33.
Variant type: single nucleotide variant.
Coding change: c.7828G>A on transcript NM_001365276.2 (MANE Select); coding-DNA position 7828, G replaced by A.
Protein change: p.Asp2610Asn; replaces aspartic acid 2610 with asparagine.
Molecular consequence: missense variant.
Genome position (GRCh38, 1-based): chr6:32,056,901, C>T on the plus strand (G>A on the coding strand, the complement: TNXB is on the minus strand). VCF-style: chr6-32056901-C-T. GRCh37 (hg19) VCF-style: chr6-32024678-C-T.
Other names: c.7828G>A, p.Asp2610Asn (NM_019105.8); short protein forms D2610N.
Identifiers: ClinVar variation 1760788 (VCV001760788.2), dbSNP rs2483477040, ClinGen allele CA363550666.